The following is an entry in ClinVar:

NM_000214.3(JAG1):c.964T>G (p.Cys322Gly)

Gene: JAG1 (jagged canonical Notch ligand 1; minus strand). Cytogenetic location: 20p12.2.
Variant type: single nucleotide variant.
Coding change: c.964T>G on transcript NM_000214.3 (MANE Select); coding-DNA position 964, T replaced by G.
Protein change: p.Cys322Gly; replaces cysteine 322 with glycine.
Molecular consequence: missense variant.
Genome position (GRCh38, 1-based): chr20:10,652,173, A>C on the plus strand (T>G on the coding strand, the complement: JAG1 is on the minus strand). VCF-style: chr20-10652173-A-C. GRCh37 (hg19) VCF-style: chr20-10632821-A-C.
Other names: short protein forms C322G.
Identifiers: ClinVar variation 3573201 (VCV003573201.2).

Conditions:
Arteriohepatic dysplasia. Also called: Alagille Syndrome. Identifiers: Orphanet 52, MedGen C0085280, MeSH D016738, MONDO:0007318.

Submission:

Gilbert/Spinner Lab, Children's Hospital of Philadelphia
No classification provided (evidence only). Condition: Alagille syndrome. Review status: no classification provided. Collection method: research. Allele origin: not applicable. Functional consequence: functionally_abnormal.
ClinVar note: "not provided" was previously submitted as the classification for the variant. However, the classification appeared to be based only on an observation of functional data so it was converted to no classification on 2025-07-30.